The following is an entry in ClinVar:

ClinVar aggregate classification (germline): Uncertain significance (1 of 4 stars; one submission).

Conditions:
Werner syndrome (WRN). Identifiers: Orphanet 902, MedGen C0043119, MONDO:0010196, OMIM 277700.

Allele frequency attached by ClinVar (database versions not stated): gnomAD 0.00001; 1000 Genomes Project 30x 0.00016.
gnomAD v4.1: 1 of 1,613,802 alleles (0.000062%); highest among the groups gnomAD compares: South Asian, 0.0011%; no homozygotes.

Submission:

Labcorp Genetics (formerly Invitae), Labcorp
Classification: Uncertain significance for Werner syndrome. Last evaluated: 2023-08-18. Review status: criteria provided, single submitter. Criteria: Invitae Variant Classification Sherloc (09022015). Collection method: clinical testing. Allele origin: germline.
Comment: An algorithm developed to predict the effect of missense changes on protein structure and function (PolyPhen-2) suggests that this variant is likely to be tolerated. This sequence change replaces aspartic acid, which is acidic and polar, with glycine, which is neutral and non-polar, at codon 58 of the WRN protein (p.Asp58Gly). This variant is not present in population databases (gnomAD no frequency). This variant has not been reported in the literature in individuals affected with WRN-related conditions. In summary, the available evidence is currently insufficient to determine the role of this variant in disease. Therefore, it has been classified as a Variant of Uncertain Significance.

NM_000553.6(WRN):c.173A>G (p.Asp58Gly)

Gene: WRN (WRN RecQ like helicase; plus strand). Cytogenetic location: 8p12.
Variant type: single nucleotide variant.
Coding change: c.173A>G on transcript NM_000553.6 (MANE Select); coding-DNA position 173, A replaced by G.
Protein change: p.Asp58Gly; replaces aspartic acid 58 with glycine.
Molecular consequence: missense variant.
Genome position (GRCh38, 1-based): chr8:31,059,229, A>G. VCF-style: chr8-31059229-A-G. GRCh37 (hg19) VCF-style: chr8-30916745-A-G.
Other names: short protein forms D58G.
Identifiers: ClinVar variation 2815714 (VCV002815714.3), dbSNP rs2130005482, ClinGen allele CA370912613.